The following is an entry in ClinVar:

ClinVar aggregate classification (germline): Uncertain significance (1 of 4 stars; one submission).

Conditions:
Progressive external ophthalmoplegia with mitochondrial DNA deletions, autosomal recessive 1 (PEOB1). Also called: Progressive external ophthalmoplegia, autosomal recessive 1; Autosomal Recessive Progressive External Ophthalmoplegia (arPEO). Identifiers: Orphanet 254886, MedGen C4225153, MONDO:0009783, OMIM 258450.

Submission:

Institute of Human Genetics, University of Leipzig Medical Center
Classification: Uncertain significance for Progressive external ophthalmoplegia with mitochondrial DNA deletions, autosomal recessive 1. Last evaluated: 2024-03-27. Review status: criteria provided, single submitter. Criteria: ACMG Guidelines, 2015. Collection method: clinical testing. Allele origin: unknown. Affected: yes.
Comment: Criteria applied: PM2_SUP,PP3

NM_002693.3(POLG):c.2386A>C (p.Lys796Gln)

Gene: POLG (DNA polymerase gamma, catalytic subunit; minus strand). Cytogenetic location: 15q26.1.
Variant type: single nucleotide variant.
Coding change: c.2386A>C on transcript NM_002693.3 (MANE Select); coding-DNA position 2386, A replaced by C.
Protein change: p.Lys796Gln; replaces lysine 796 with glutamine.
Molecular consequence: missense variant.
Genome position (GRCh38, 1-based): chr15:89,322,782, T>G on the plus strand (A>C on the coding strand, the complement: POLG is on the minus strand). VCF-style: chr15-89322782-T-G. GRCh37 (hg19) VCF-style: chr15-89866013-T-G.
Other names: c.2386A>C, p.Lys796Gln (NM_001126131.2); short protein forms K796Q.
Identifiers: ClinVar variation 3068474 (VCV003068474.2), dbSNP rs2509226705, ClinGen allele CA393756338.
Genomic context (GRCh38, chr15:89,322,782, plus strand): 5'-CTCCTCCCATGGTGGCCCACCTGATACGTTTATGGGCGTTCCTCCAGAAAGAAATCATTT[T>G]GTTGATTTCCAGAGCACGGGGCCCACTGGCACCTCCTGGGCCAGCCTGCAGGGTGCCATC-3'
Protein context (NP_002684.1, residues 786-806): ASGPRALEIN[Lys796Gln]MISFWRNAHK